The following is an entry in ClinVar:

ClinVar aggregate classification (germline): Uncertain significance. Review status: criteria provided, multiple submitters, no conflicts (2 of 4 stars). 2 submissions from 2 submitters: Uncertain significance (2). Last evaluated 2024-12-31.

Conditions:
Inborn genetic diseases. Identifiers: MedGen C0950123, MeSH D030342.

Allele frequency attached by ClinVar (database versions not stated): gnomAD exomes below 0.00001; gnomAD 0.00001; TOPMed 0.00004; 1000 Genomes Project 30x 0.00016.
gnomAD v4.1: 9 of 1,526,872 alleles (0.00059%); highest among the groups gnomAD compares: East Asian, 0.014%; no homozygotes.

Submissions (2):

GeneDx
Classification: Uncertain significance. Last evaluated: 2024-12-31. Review status: criteria provided, single submitter. Criteria: GeneDx Variant Classification Process June 2021. Collection method: clinical testing. Allele origin: germline. Affected: yes.
Comment: In silico analysis indicates that this missense variant does not alter protein structure/function; Has not been previously published as pathogenic or benign to our knowledge

Ambry Genetics
Classification: Uncertain significance for Inborn genetic diseases. Last evaluated: 2024-03-07. Review status: criteria provided, single submitter. Criteria: Ambry Variant Classification Scheme 2023. Collection method: clinical testing. Allele origin: germline.

NM_006012.4(CLPP):c.172C>T (p.Leu58Phe)

Gene: CLPP (caseinolytic mitochondrial matrix peptidase proteolytic subunit; plus strand). Cytogenetic location: 19p13.3.
Variant type: single nucleotide variant.
Coding change: c.172C>T on transcript NM_006012.4 (MANE Select); coding-DNA position 172, C replaced by T.
Protein change: p.Leu58Phe; replaces leucine 58 with phenylalanine.
Molecular consequence: missense variant.
Genome position (GRCh38, 1-based): chr19:6,361,746, C>T. VCF-style: chr19-6361746-C-T. GRCh37 (hg19) VCF-style: chr19-6361757-C-T.
Other names: short protein forms L58F.
Identifiers: ClinVar variation 3145956 (VCV003145956.2), dbSNP rs763768336, ClinGen allele CA9122787.